The following is an entry in ClinVar:

ClinVar aggregate classification (germline): Uncertain significance. Review status: criteria provided, multiple submitters, no conflicts (2 of 4 stars). 2 submissions from 2 submitters: Uncertain significance (2). Last evaluated 2022-03-27.

Allele frequency attached by ClinVar (database versions not stated): gnomAD exomes below 0.00001 and 0.00001; TOPMed below 0.00001.
gnomAD v4.1: 4 of 1,207,743 alleles (0.00033%); highest among the groups gnomAD compares: Middle Eastern, 0.023%; no homozygotes.

Submissions (2):

Labcorp Genetics (formerly Invitae), Labcorp
Classification: Uncertain significance. Last evaluated: 2022-03-27. Review status: criteria provided, single submitter. Criteria: Invitae Variant Classification Sherloc (09022015). Collection method: clinical testing. Allele origin: germline.
Comment: This sequence change falls in intron 10 of the DDX3X gene. It does not directly change the encoded amino acid sequence of the DDX3X protein. It affects a nucleotide within the consensus splice site. This variant is present in population databases (no rsID available, gnomAD 0.001%), including at least one homozygous and/or hemizygous individual. This variant has not been reported in the literature in individuals affected with DDX3X-related conditions. ClinVar contains an entry for this variant (Variation ID: 1176304). Variants that disrupt the consensus splice site are a relatively common cause of aberrant splicing (PMID: 17576681, 9536098). Algorithms developed to predict the effect of sequence changes on RNA splicing suggest that this variant is not likely to affect RNA splicing. In summary, the available evidence is currently insufficient to determine the role of this variant in disease. Therefore, it has been classified as a Variant of Uncertain Significance.

CeGaT Center for Human Genetics Tuebingen
Classification: Uncertain significance. Last evaluated: 2021-04-01. Review status: criteria provided, single submitter. Criteria: CeGaT Center For Human Genetics Tuebingen Variant Classification Criteria Version 2. Collection method: clinical testing. Allele origin: germline. Affected: yes. Observed: 1 variant allele.

Literature cited by the submitters: PubMed 17576681 (cited by Labcorp Genetics (formerly Invitae), Labcorp); PubMed 9536098 (cited by Labcorp Genetics (formerly Invitae), Labcorp).

NM_001356.5(DDX3X):c.1026-3C>T

Gene: DDX3X (DEAD-box helicase 3 X-linked; plus strand). Cytogenetic location: Xp11.4.
Variant type: single nucleotide variant.
Coding change: c.1026-3C>T on transcript NM_001356.5 (MANE Select); 3 bases into the intron before coding-DNA position 1026, C replaced by T.
Molecular consequence: intron variant.
Genome position (GRCh38, 1-based): chrX:41,345,177, C>T. VCF-style: chrX-41345177-C-T. GRCh37 (hg19) VCF-style: chrX-41204430-C-T.
Other names: c.1026-3C>T (NM_001193416.3); c.978-3C>T (NM_001193417.3); c.468-3C>T (NM_001363819.1).
Identifiers: ClinVar variation 1176304 (VCV001176304.40), dbSNP rs1288221968, ClinGen allele CA641899904.